The following is an entry in ClinVar:

ClinVar aggregate classification (germline): Likely pathogenic. Review status: criteria provided, multiple submitters, no conflicts (2 of 4 stars). 3 submissions from 3 submitters: Likely pathogenic (3). Last evaluated 2025-02-19.

Conditions:
Amyotrophic lateral sclerosis type 5 (ALS5). Also called: AMYOTROPHIC LATERAL SCLEROSIS 5, JUVENILE. Identifiers: Orphanet 300605, MedGen C1865864, MONDO:0011196, OMIM 602099.
Hereditary spastic paraplegia 11. Also called: Spastic paraplegia, mental retardation and thin corpus callosum; Nakamura Osame syndrome; Autosomal recessive hereditary spastic paraplegia, mental impairment, and thin corpus callosum; SPASTIC PARAPLEGIA, AUTOSOMAL RECESSIVE, COMPLICATED, WITH THIN CORPUS CALLOSUM; SPASTIC PARAPLEGIA, AUTOSOMAL RECESSIVE, WITH MENTAL IMPAIRMENT AND THIN CORPUS CALLOSUM; Spastic Paraplegia 11. Identifiers: Orphanet 2822, MedGen C1858479, MONDO:0011445, OMIM 604360.
Charcot-Marie-Tooth disease axonal type 2X. Also called: CHARCOT-MARIE-TOOTH DISEASE, AXONAL, AUTOSOMAL RECESSIVE, TYPE 2X; CHARCOT-MARIE-TOOTH NEUROPATHY, TYPE 2X. Identifiers: Orphanet 466775, MedGen C5569024, MONDO:0014726, OMIM 616668.

gnomAD v4.1: 1 of 1,613,946 alleles (0.000062%); highest among the groups gnomAD compares: African/African-American, 0.0013%; no homozygotes.

Submissions (3):

HudsonAlpha Institute for Biotechnology
Classification: Likely pathogenic for Amyotrophic lateral sclerosis type 5; Charcot-Marie-Tooth disease axonal type 2X; Hereditary spastic paraplegia 11. Last evaluated: 2025-02-19. Review status: criteria provided, single submitter. Criteria: ACMG Guidelines, 2015. Collection method: research. Allele origin: maternal. Affected: yes. Observed: 1 variant allele. Study: AGHI-WGS-HudsonAlpha.

Fulgent Genetics
Classification: Likely pathogenic for Amyotrophic lateral sclerosis type 5; Hereditary spastic paraplegia 11; Charcot-Marie-Tooth disease axonal type 2X. Last evaluated: 2024-06-01. Review status: criteria provided, single submitter. Criteria: ACMG Guidelines, 2015. Collection method: clinical testing. Allele origin: germline.

GeneDx
Classification: Likely pathogenic. Last evaluated: 2022-12-02. Review status: criteria provided, single submitter. Criteria: GeneDx Variant Classification Process June 2021. Collection method: clinical testing. Allele origin: germline. Affected: yes.
Comment: Not observed at significant frequency in large population cohorts (gnomAD); In silico analysis supports a deleterious effect on splicing; This variant is associated with the following publications: (PMID: 29732542, 31900114)

NM_025137.4(SPG11):c.4162-10T>G

Gene: SPG11 (SPG11 vesicle trafficking associated, spatacsin; minus strand). Cytogenetic location: 15q21.1.
Variant type: single nucleotide variant.
Coding change: c.4162-10T>G on transcript NM_025137.4 (MANE Select); 10 bases into the intron before coding-DNA position 4162, T replaced by G.
Molecular consequence: intron variant.
Genome position (GRCh38, 1-based): chr15:44,596,365, A>C on the plus strand (T>G on the coding strand, the complement: SPG11 is on the minus strand). VCF-style: chr15-44596365-A-C. GRCh37 (hg19) VCF-style: chr15-44888563-A-C.
Other names: c.4162-10T>G (NM_001411132.1, NM_001160227.2).
Identifiers: ClinVar variation 2503361 (VCV002503361.3), dbSNP rs765557765, ClinGen allele CA7534739.
Genomic context (GRCh38, chr15:44,596,365, plus strand): 5'-CCTTAAGTGGTCTTGAATGACTGGGCTGAAGTACTGGATAAGGGATTTCACCTAGAAGGC[A>C]TATCAGATGATTAAACAGAAACCCAACTTTCAGTTTCAGCTGGAGCTGAAAATGTTAGAG-3'